The following is an entry in ClinVar:

ClinVar aggregate classification (germline): Uncertain significance (1 of 4 stars; one submission).

Allele frequency attached by ClinVar (database versions not stated): gnomAD exomes below 0.00001; gnomAD 0.00003; TOPMed 0.00003.

Submission:

CeGaT Center for Human Genetics Tuebingen
Classification: Uncertain significance. Last evaluated: 2022-11-01. Review status: criteria provided, single submitter. Criteria: CeGaT Center For Human Genetics Tuebingen Variant Classification Criteria Version 2. Collection method: clinical testing. Allele origin: germline. Affected: yes. Observed: 1 variant allele.
Comment: HUWE1: PP2

NM_031407.7(HUWE1):c.1261G>A (p.Asp421Asn)

Gene: HUWE1 (HECT, UBA and WWE domain containing E3 ubiquitin protein ligase 1; minus strand). Cytogenetic location: Xp11.22.
Variant type: single nucleotide variant.
Coding change: c.1261G>A on transcript NM_031407.7 (MANE Select); coding-DNA position 1261, G replaced by A.
Protein change: p.Asp421Asn; replaces aspartic acid 421 with asparagine.
Molecular consequence: missense variant.
Genome position (GRCh38, 1-based): chrX:53,627,861, C>T on the plus strand (G>A on the coding strand, the complement: HUWE1 is on the minus strand). VCF-style: chrX-53627861-C-T. GRCh37 (hg19) VCF-style: chrX-53654812-C-T.
Other names: short protein forms D421N.
Identifiers: ClinVar variation 2660635 (VCV002660635.24), dbSNP rs1217472573, ClinGen allele CA413155539.